The following is an entry in ClinVar:

NM_172245.4(CSF2RA):c.901G>T (p.Val301Phe)

Gene: CSF2RA (colony stimulating factor 2 receptor subunit alpha; plus strand). Cytogenetic location: Xp22.33.
Variant type: single nucleotide variant.
Coding change: c.901G>T on transcript NM_172245.4 (MANE Select); coding-DNA position 901, G replaced by T.
Protein change: p.Val301Phe; replaces valine 301 with phenylalanine.
Molecular consequence: missense variant. On other transcripts: intron variant (2).
Genome position (GRCh38, 1-based): chrX:1,300,581, G>T. VCF-style: chrX-1300581-G-T. GRCh37 (hg19) VCF-style: chrX-1419474-G-T.
Other names: c.901G>T, p.Val301Phe (NM_001161529.2, NM_001161530.2, NM_001161531.2 and 17 more transcripts); c.502G>T, p.Val168Phe (NM_001161532.2); c.871G>T, p.Val291Phe (NM_001379160.1); c.647-4865G>T (NM_172249.4); c.854+1516G>T (NM_001379166.1); short protein forms V168F, V301F, V291F.
Identifiers: ClinVar variation 1399115 (VCV001399115.4), dbSNP rs767644484, ClinGen allele CA10331057.
Genomic context (GRCh38, chrX:1,300,581, plus strand): 5'-TACAACTTTCCAAGCTCTGAGCCCAGAGCAAAACACAGTGTGAAGATCAGAGCTGCAGAC[G>T]TCCGCATCTTGAATTGGAGCTCCTGGAGTGAAGCCATTGAATTTGGTAAGCGTTGGGCGG-3'
Protein context (NP_758448.1, residues 291-311): KHSVKIRAAD[Val301Phe]RILNWSSWSE

ClinVar aggregate classification (germline): Uncertain significance (1 of 4 stars; one submission).

Conditions:
Surfactant metabolism dysfunction, pulmonary, 4 (SMDP4). Also called: CSF2RA DEFICIENCY; PAP DUE TO CSF2RA DEFICIENCY; PULMONARY ALVEOLAR PROTEINOSIS, CONGENITAL, 4. Identifiers: Orphanet 264675, MedGen C2677877, MONDO:0010424, OMIM 300770.

Submission:

Labcorp Genetics (formerly Invitae), Labcorp
Classification: Uncertain significance for Surfactant metabolism dysfunction, pulmonary, 4. Last evaluated: 2021-12-20. Review status: criteria provided, single submitter. Criteria: Invitae Variant Classification Sherloc (09022015). Collection method: clinical testing. Allele origin: germline.
Comment: In summary, the available evidence is currently insufficient to determine the role of this variant in disease. Therefore, it has been classified as a Variant of Uncertain Significance. Algorithms developed to predict the effect of missense changes on protein structure and function are either unavailable or do not agree on the potential impact of this missense change (SIFT: "Deleterious"; PolyPhen-2: "Benign"; Align-GVGD: "Class C0"). This variant has not been reported in the literature in individuals affected with CSF2RA-related conditions. This variant is present in population databases (no rsID available, gnomAD 0.01%). This sequence change replaces valine, which is neutral and non-polar, with phenylalanine, which is neutral and non-polar, at codon 301 of the CSF2RA protein (p.Val301Phe).